The following is an entry in ClinVar:

ClinVar aggregate classification (germline): Uncertain significance (1 of 4 stars; one submission).

Submission:

GeneDx
Classification: Uncertain significance. Last evaluated: 2024-06-28. Review status: criteria provided, single submitter. Criteria: GeneDx Variant Classification Process June 2021. Collection method: clinical testing. Allele origin: germline. Affected: yes.
Comment: Not observed at significant frequency in large population cohorts (gnomAD); In silico analysis supports that this missense variant has a deleterious effect on protein structure/function; Has not been previously published as pathogenic or benign to our knowledge

NM_015057.5(MYCBP2):c.4169A>T (p.Asp1390Val)

Gene: MYCBP2 (MYC binding protein 2; minus strand). Cytogenetic location: 13q22.3.
Variant type: single nucleotide variant.
Coding change: c.4169A>T on transcript NM_015057.5 (MANE Select); coding-DNA position 4169, A replaced by T.
Protein change: p.Asp1390Val; replaces aspartic acid 1390 with valine.
Molecular consequence: missense variant.
Genome position (GRCh38, 1-based): chr13:77,189,033, T>A on the plus strand (A>T on the coding strand, the complement: MYCBP2 is on the minus strand). VCF-style: chr13-77189033-T-A. GRCh37 (hg19) VCF-style: chr13-77763168-T-A.
Other names: short protein forms D1390V.
Identifiers: ClinVar variation 3392644 (VCV003392644.1).
Genomic context (GRCh38, chr13:77,189,033, plus strand): 5'-GACCTCTTTAAAATGTGTACAGGTTCACTGGTTTGCTGTTTGCCTTTTGAAGCACTGCCA[T>A]CACTGGTTGGAAGTCTAAAGGCAGTAGACACATATAAAATTATGTTAGAAAGTCCAATGT-3'
Protein context (NP_055872.4, residues 1380-1400): PQLLYRLPTS[Asp1390Val]GSASKGKQQT